The following is an entry in ClinVar:

ClinVar aggregate classification (germline): Uncertain significance (1 of 4 stars; one submission).

Submission:

Ambry Genetics
Classification: Uncertain significance. Last evaluated: 2024-05-20. Review status: criteria provided, single submitter. Criteria: Ambry Variant Classification Scheme 2023. Collection method: clinical testing. Allele origin: germline.
Comment: The p.P2322R variant (also known as c.6965C>G), located in coding exon 24 of the POLQ gene, results from a C to G substitution at nucleotide position 6965. The proline at codon 2322 is replaced by arginine, an amino acid with dissimilar properties. This amino acid position is conserved. In addition, the in silico prediction for this alteration is inconclusive. Based on the available evidence, the clinical significance of this variant remains unclear.

NM_199420.4(POLQ):c.6965C>G (p.Pro2322Arg)

Gene: POLQ (DNA polymerase theta; minus strand). Cytogenetic location: 3q13.33.
Variant type: single nucleotide variant.
Coding change: c.6965C>G on transcript NM_199420.4 (MANE Select); coding-DNA position 6965, C replaced by G.
Protein change: p.Pro2322Arg; replaces proline 2322 with arginine.
Molecular consequence: missense variant.
Genome position (GRCh38, 1-based): chr3:121,467,521, G>C on the plus strand (C>G on the coding strand, the complement: POLQ is on the minus strand). VCF-style: chr3-121467521-G-C. GRCh37 (hg19) VCF-style: chr3-121186368-G-C.
Other names: short protein forms P2322R.
Identifiers: ClinVar variation 3308691 (VCV003308691.1).
Genomic context (GRCh38, chr3:121,467,521, plus strand): 5'-ATGCTTTGAAAAACATTCTCACAGCAATGAGAAGCTTCAAAGCTATCAGCCACCTTACCT[G>C]GGAAAGGCACAAAGGCATGTCGCATGCTAATTGAAAATGGCATTCCTCTGTCTGCAGCTC-3'
Protein context (NP_955452.3, residues 2312-2332): ISMRHAFVPF[Pro2322Arg]GGSILAADYS